The following is an entry in ClinVar:

NM_005186.4(CAPN1):c.553G>A (p.Glu185Lys)

Gene: CAPN1 (calpain 1; plus strand). Cytogenetic location: 11q13.1.
Variant type: single nucleotide variant.
Coding change: c.553G>A on transcript NM_005186.4 (MANE Select); coding-DNA position 553, G replaced by A.
Protein change: p.Glu185Lys; replaces glutamic acid 185 with lysine.
Molecular consequence: missense variant. On other transcripts: non-coding transcript variant (1).
Genome position (GRCh38, 1-based): chr11:65,186,013, G>A. VCF-style: chr11-65186013-G-A. GRCh37 (hg19) VCF-style: chr11-64953484-G-A.
Other names: c.553G>A, p.Glu185Lys (NM_001198868.2, NM_001198869.2); c.391G>A, p.Glu131Lys (NM_001198870.1); short protein forms E131K, E185K.
Identifiers: ClinVar variation 2100184 (VCV002100184.4), dbSNP rs1948627582, ClinGen allele CA381243425.

ClinVar aggregate classification (germline): Uncertain significance (1 of 4 stars; one submission).

Submission:

Labcorp Genetics (formerly Invitae), Labcorp
Classification: Uncertain significance. Last evaluated: 2024-12-16. Review status: criteria provided, single submitter. Criteria: Invitae Variant Classification Sherloc (09022015). Collection method: clinical testing. Allele origin: germline.
Comment: This sequence change replaces glutamic acid, which is acidic and polar, with lysine, which is basic and polar, at codon 185 of the CAPN1 protein (p.Glu185Lys). This variant is not present in population databases (gnomAD no frequency). This variant has not been reported in the literature in individuals affected with CAPN1-related conditions. ClinVar contains an entry for this variant (Variation ID: 2100184). Invitae Evidence Modeling of protein sequence and biophysical properties (such as structural, functional, and spatial information, amino acid conservation, physicochemical variation, residue mobility, and thermodynamic stability) indicates that this missense variant is expected to disrupt CAPN1 protein function with a positive predictive value of 80%. In summary, the available evidence is currently insufficient to determine the role of this variant in disease. Therefore, it has been classified as a Variant of Uncertain Significance.